The following is an entry in ClinVar:

NM_001005242.3(PKP2):c.1636G>A (p.Val546Ile)

Gene: PKP2 (plakophilin 2; minus strand). Cytogenetic location: 12p11.21.
Variant type: single nucleotide variant.
Coding change: c.1636G>A on transcript NM_001005242.3 (MANE Select); coding-DNA position 1636, G replaced by A.
Protein change: p.Val546Ile; replaces valine 546 with isoleucine.
Molecular consequence: missense variant.
Genome position (GRCh38, 1-based): chr12:32,824,083, C>T on the plus strand (G>A on the coding strand, the complement: PKP2 is on the minus strand). VCF-style: chr12-32824083-C-T. GRCh37 (hg19) VCF-style: chr12-32977017-C-T.
Other names: c.1768G>A, p.Val590Ile (NM_004572.4); short protein forms V546I, V590I.
Identifiers: ClinVar variation 850978 (VCV000850978.16), dbSNP rs1475361697, ClinGen allele CA384364679.

ClinVar aggregate classification (germline): Uncertain significance. Review status: criteria provided, multiple submitters, no conflicts (2 of 4 stars). 6 submissions from 6 submitters: Uncertain significance (6). Last evaluated 2026-06-30.

Conditions:
Cardiovascular phenotype. Identifiers: MedGen CN230736.
Arrhythmogenic right ventricular cardiomyopathy (ARVD). Also called: Arrhythmogenic Right Ventricular Cardiomyopathy (ARVC); Cardiomyopathy, ARVC; Arrhythmogenic right ventricular dysplasia; Arrhythmogenic cardiomyopathy. Identifiers: Orphanet 247, MedGen C0349788, MeSH D019571, MONDO:0016587. Disease mechanism: loss of function. Inheritance: Various modes of inheritance.
PKP2-related disorder. Also called: PKP2-related condition.
Cardiomyopathy (CMYO). Also called: Cardiomyopathies. Identifiers: Orphanet 167848, MedGen C0878544, MONDO:0004994, HP:0001638. Inheritance: Various modes of inheritance.
Arrhythmogenic right ventricular dysplasia 9 (ARVD9). Also called: Arrhythmogenic Right Ventricular Dysplasia/Cardiomyopathy 9; ARRHYTHMOGENIC RIGHT VENTRICULAR DYSPLASIA, FAMILIAL, 9. Identifiers: MedGen C1836906, MONDO:0012180, OMIM 609040.

Allele frequency attached by ClinVar (database versions not stated): gnomAD exomes below 0.00001 and 0.00001; TOPMed below 0.00001.
gnomAD v4.1: 11 of 1,610,530 alleles (0.00068%); highest among the groups gnomAD compares: Non-Finnish European, 0.00093%; no homozygotes.

Submissions (6):

PreventionGenetics, part of Exact Sciences
Classification: Uncertain significance for PKP2-related condition. Last evaluated: 2026-06-30. Review status: criteria provided, single submitter. Criteria: ACMG Guidelines, 2015. Collection method: clinical testing. Allele origin: germline.
Comment: The PKP2 c.1768G>A variant is predicted to result in the amino acid substitution p.Val590Ile. To our knowledge, this variant has not been reported in the literature. This variant is reported in 0.00088% of alleles in individuals of European (Non-Finnish) descent in gnomAD. At this time, the clinical significance of this variant is uncertain due to the absence of conclusive functional and genetic evidence.

Labcorp Genetics (formerly Invitae), Labcorp
Classification: Uncertain significance for Arrhythmogenic right ventricular dysplasia 9. Last evaluated: 2025-10-28. Review status: criteria provided, single submitter. Criteria: Invitae Variant Classification Sherloc (09022015). Collection method: clinical testing. Allele origin: germline.
Comment: This sequence change replaces valine, which is neutral and non-polar, with isoleucine, which is neutral and non-polar, at codon 590 of the PKP2 protein (p.Val590Ile). This variant is present in population databases (no rsID available, gnomAD 0.0009%). This variant has not been reported in the literature in individuals affected with PKP2-related conditions. ClinVar contains an entry for this variant (Variation ID: 850978). An algorithm developed to predict the effect of missense changes on protein structure and function (PolyPhen-2) suggests that this variant is likely to be tolerated. In summary, the available evidence is currently insufficient to determine the role of this variant in disease. Therefore, it has been classified as a Variant of Uncertain Significance.

GeneDx
Classification: Uncertain significance. Last evaluated: 2025-07-17. Review status: criteria provided, single submitter. Criteria: GeneDx Variant Classification Process June 2021. Collection method: clinical testing. Allele origin: germline. Affected: yes.
Comment: Not observed at significant frequency in large population cohorts (gnomAD); In silico analysis suggests that this missense variant does not alter protein structure/function; Has not been previously published as pathogenic or benign to our knowledge

All of Us Research Program, National Institutes of Health
Classification: Uncertain significance for Arrhythmogenic right ventricular cardiomyopathy. Last evaluated: 2023-09-04. Review status: criteria provided, single submitter. Criteria: ACMG Guidelines, 2015. Collection method: clinical testing. Allele origin: germline. Inheritance: Autosomal dominant inheritance. Observed: 2 variant alleles, 2 heterozygotes.
Comment: This missense variant replaces valine with isoleucine at codon 590 of the PKP2 protein. Computational prediction tool suggests that this variant may not impact protein structure and function (internally defined REVEL score threshold <=0.5, PMID: 27666373). Splice site prediction tools suggest that this variant may not impact RNA splicing. To our knowledge, functional studies have not been performed for this variant. This variant has not been reported in individuals affected with cardiovascular disorders in the literature. This variant has been identified in 1/251176 chromosomes in the general population by the Genome Aggregation Database (gnomAD). The available evidence is insufficient to determine the role of this variant in disease conclusively. Therefore, this variant is classified as a Variant of Uncertain Significance.

This study involves interpretation of variants in research participants for the purpose of population health screening. Participant phenotype was not available at the time of variant classification. Additional details can be found in publication PMID: 35346344, PMCID: PMC8962531

Color Diagnostics, LLC DBA Color Health
Classification: Uncertain significance for Cardiomyopathy. Last evaluated: 2023-04-07. Review status: criteria provided, single submitter. Criteria: ACMG Guidelines, 2015. Collection method: clinical testing. Allele origin: germline.
Comment: This missense variant replaces valine with isoleucine at codon 590 of the PKP2 protein. Computational prediction suggests that this variant may not impact protein structure and function (internally defined REVEL score threshold <= 0.5, PMID: 27666373). To our knowledge, functional studies have not been reported for this variant. This variant has not been reported in individuals affected with PKP2-related disorders in the literature. This variant has been identified in 1/251176 chromosomes in the general population by the Genome Aggregation Database (gnomAD). The available evidence is insufficient to determine the role of this variant in disease conclusively. Therefore, this variant is classified as a Variant of Uncertain Significance.

Ambry Genetics
Classification: Uncertain significance for Cardiovascular phenotype. Last evaluated: 2022-02-20. Review status: criteria provided, single submitter. Criteria: Ambry Variant Classification Scheme 2023. Collection method: clinical testing. Allele origin: germline.
Comment: The p.V590I variant (also known as c.1768G>A), located in coding exon 8 of the PKP2 gene, results from a G to A substitution at nucleotide position 1768. The valine at codon 590 is replaced by isoleucine, an amino acid with highly similar properties. This amino acid position is conserved. In addition, this alteration is predicted to be tolerated by in silico analysis. Since supporting evidence is limited at this time, the clinical significance of this alteration remains unclear.